The following is an entry in ClinVar:

NM_057175.5(NAA15):c.208C>T (p.Arg70Cys)

Gene: NAA15 (N-alpha-acetyltransferase 15, NatA auxiliary subunit; plus strand). Cytogenetic location: 4q31.1.
Variant type: single nucleotide variant.
Coding change: c.208C>T on transcript NM_057175.5 (MANE Select); coding-DNA position 208, C replaced by T.
Protein change: p.Arg70Cys; replaces arginine 70 with cysteine.
Molecular consequence: missense variant.
Genome position (GRCh38, 1-based): chr4:139,336,916, C>T. VCF-style: chr4-139336916-C-T. GRCh37 (hg19) VCF-style: chr4-140258070-C-T.
Other names: c.208C>T, p.Arg70Cys (NM_001410842.1, NM_025085.2); short protein forms R70C.
Identifiers: ClinVar variation 2972296 (VCV002972296.3), dbSNP rs1236309074, ClinGen allele CA358258464.
Genomic context (GRCh38, chr4:139,336,916, plus strand): 5'-GCTATGAAAGGATTAACATTGAACTGTTTGGGGAAAAAGGAAGAAGCTTATGAATTGGTT[C>T]GTAGAGGTTTGAGAAATGACTTGAAGAGTCATGTGTGTATCCTTTTTGAGATATATTTAA-3'
Protein context (NP_476516.1, residues 60-80): GKKEEAYELV[Arg70Cys]RGLRNDLKSH

ClinVar aggregate classification (germline): Uncertain significance (1 of 4 stars; one submission).

Allele frequency attached by ClinVar (database versions not stated): gnomAD exomes below 0.00001.
gnomAD v4.1: 4 of 1,601,694 alleles (0.00025%); highest among the groups gnomAD compares: Admixed American, 0.0034%; no homozygotes.

Submission:

Labcorp Genetics (formerly Invitae), Labcorp
Classification: Uncertain significance. Last evaluated: 2024-09-15. Review status: criteria provided, single submitter. Criteria: Invitae Variant Classification Sherloc (09022015). Collection method: clinical testing. Allele origin: germline.
Comment: This sequence change replaces arginine, which is basic and polar, with cysteine, which is neutral and slightly polar, at codon 70 of the NAA15 protein (p.Arg70Cys). The frequency data for this variant in the population databases is considered unreliable, as metrics indicate poor data quality at this position in the gnomAD database. This variant has not been reported in the literature in individuals affected with NAA15-related conditions. An algorithm developed to predict the effect of missense changes on protein structure and function (PolyPhen-2) suggests that this variant is likely to be disruptive. Algorithms developed to predict the effect of sequence changes on RNA splicing suggest that this variant may disrupt the consensus splice site. In summary, the available evidence is currently insufficient to determine the role of this variant in disease. Therefore, it has been classified as a Variant of Uncertain Significance.